The following is an entry in ClinVar:

ClinVar aggregate classification (germline): Likely pathogenic (1 of 4 stars; one submission).

Conditions:
Pituitary hormone deficiency, combined, 2. Also called: PROP1-Related Combined Pituitary Hormone Deficiency; ATELIOTIC DWARFISM WITH HYPOGONADISM; HANHART DWARFISM; PITUITARY DWARFISM III. Identifiers: MedGen C0878683, MONDO:0009878, OMIM 262600.

Submission:

Natera, Inc.
Classification: Likely pathogenic for Combined pituitary hormone deficiency type 2. Last evaluated: 2024-02-23. Review status: criteria provided, single submitter. Criteria: Natera Variant Classification Schema (03/2026). Collection method: clinical testing. Allele origin: germline.
Comment: The c.114delGinsCACCCTGC variant in PROP1 is a frameshift variant predicted to shift the reading frame beginning at codon 39 and leads to a stop codon 74 codons downstream. This variant is expected to result in nonsense mediated decay, truncation, or a dysfunctional protein product. This variant is rare in the general population with a frequency below the threshold expected for the associated phenotype(s). Given the available evidence, this variant is classified as Likely Pathogenic.

NM_006261.5(PROP1):c.114delinsCACCCTGC (p.Ser39fs)

Gene: PROP1 (PROP paired-like homeobox 1; minus strand). Cytogenetic location: 5q35.3.
Variant type: Indel.
Coding change: c.114delinsCACCCTGC on transcript NM_006261.5 (MANE Select); coding-DNA position 114, G replaced by CACCCTGC.
Protein change: p.Ser39fs; shifts the reading frame from serine 39.
Molecular consequence: frameshift variant.
Genome position (GRCh38, 1-based): chr5:177,994,334, C replaced by GCAGGGTG on the plus strand (G replaced by CACCCTGC on the coding strand, the reverse complement: PROP1 is on the minus strand). VCF-style: chr5-177994334-C-GCAGGGTG. GRCh37 (hg19) VCF-style: chr5-177421335-C-GCAGGGTG.
Other names: short protein forms S39fs.
Identifiers: ClinVar variation 4815499 (VCV004815499.1).